The following is an entry in ClinVar:

ClinVar aggregate classification (germline): Benign (1 of 4 stars; one submission).

Allele frequency attached by ClinVar (database versions not stated): 1000 Genomes Project 0.00579; 1000 Genomes Project 30x 0.00625; TOPMed 0.00768; gnomAD 0.00780; ExAC 0.00791; ESP Exome Variant Server 0.00800; gnomAD exomes 0.00990.
gnomAD v4.1: 15,591 of 1,614,196 alleles (0.97%); highest among the groups gnomAD compares: Non-Finnish European, 1.1%; 104 homozygotes.

Submission:

CeGaT Center for Human Genetics Tuebingen
Classification: Benign. Last evaluated: 2026-09-01. Review status: criteria provided, single submitter. Criteria: CeGaT Center For Human Genetics Tuebingen Variant Classification Criteria Version 2. Collection method: clinical testing. Allele origin: germline. Affected: yes. Observed: 22 variant alleles.
Comment: ZNF462: BP4, BS1, BS2

NM_021224.6(ZNF462):c.2289A>G (p.Arg763=)

Gene: ZNF462 (zinc finger protein 462; plus strand). Cytogenetic location: 9q31.2.
Variant type: single nucleotide variant.
Coding change: c.2289A>G on transcript NM_021224.6 (MANE Select); coding-DNA position 2289, A replaced by G.
Protein change: p.Arg763=; no amino-acid change (arginine 763 retained).
Molecular consequence: synonymous variant.
Genome position (GRCh38, 1-based): chr9:106,926,201, A>G. VCF-style: chr9-106926201-A-G. GRCh37 (hg19) VCF-style: chr9-109688482-A-G.
Other names: c.2289A>G, p.Arg763= (NM_001347997.2).
Identifiers: ClinVar variation 1711692 (VCV001711692.30), dbSNP rs72741799, ClinGen allele CA5171474.
Genomic context (GRCh38, chr9:106,926,201, plus strand): 5'-ACCGACAGAACCCATCATAGAGGTTCCCACTTCCTTTTCTGCCCAACAGATATGGGTAAG[A>G]GATACCAGTGAGCCCCAGAAAGAGCCCAACTTCAGAAACATCACCCACGATTACAATGCC-3'
Protein context (NP_067047.4, residues 753-773): TSFSAQQIWV[Arg763=]DTSEPQKEPN